The following is an entry in ClinVar:

NM_000444.6(PHEX):c.2140C>T (p.Gln714Ter)

Genes: PHEX (phosphate regulating endopeptidase X-linked; plus strand), PTCHD1-AS (PTCHD1 and PHEX antisense RNA; minus strand). Cytogenetic location: Xp22.11.
Variant type: single nucleotide variant.
Coding change: c.2140C>T on transcript NM_000444.6 (MANE Select); coding-DNA position 2140, C replaced by T.
Protein change: p.Gln714Ter; replaces glutamine 714 with a stop codon.
Molecular consequence: nonsense. On other transcripts: intron variant (1).
Genome position (GRCh38, 1-based): chrX:22,245,402, C>T. VCF-style: chrX-22245402-C-T. GRCh37 (hg19) VCF-style: chrX-22263519-C-T.
Other names: c.2071-2449C>T (NM_001282754.2); short protein forms Q714*.
Identifiers: ClinVar variation 623206 (VCV000623206.2), dbSNP rs1569442206, ClinGen allele CA412575316.

ClinVar aggregate classification (germline): Pathogenic/Likely pathogenic. Review status: criteria provided, multiple submitters, no conflicts (2 of 4 stars). 2 submissions from 2 submitters: Pathogenic (1); Likely pathogenic (1). Last evaluated 2024-03-11.

Conditions:
Familial X-linked hypophosphatemic vitamin D refractory rickets (XLHRD). Also called: X-Linked Hypophosphatemia; Hypophosphatemia, vitamin D-resistant rickets; Vitamin D-resistant rickets, X-linked; HYPOPHOSPHATEMIC VITAMIN D-RESISTANT RICKETS; Hypophosphatemic Rickets, X-Linked Dominant. Identifiers: Orphanet 89936, MedGen C0733682, MONDO:0010619, OMIM 307800.

Submissions (2):

GeneDx
Classification: Pathogenic. Last evaluated: 2024-03-11. Review status: criteria provided, single submitter. Criteria: GeneDx Variant Classification Process June 2021. Collection method: clinical testing. Allele origin: germline. Affected: yes.
Comment: Nonsense variant predicted to result in protein truncation, as the last 36 amino acids are lost, and other loss-of-function variants have been reported downstream in HGMD; Not observed at significant frequency in large population cohorts (gnomAD); This variant is associated with the following publications: (PMID: 37217505, 30682568, 32329911)

Molecular Diagnostics Laboratory, M Health Fairview: University of Minnesota
Classification: Likely pathogenic for Familial X-linked hypophosphatemic vitamin D refractory rickets. Last evaluated: 2017-01-19. Review status: criteria provided, single submitter. Criteria: ACMG Guidelines, 2015. Collection method: clinical testing. Allele origin: germline. Affected: yes. Observed: 1 variant allele.

Literature cited by the submitters: PubMed 19219621 (cited by Molecular Diagnostics Laboratory, M Health Fairview: University of Minnesota).